The following is an entry in ClinVar:

ClinVar aggregate classification (germline): Uncertain significance (1 of 4 stars; one submission).

Allele frequency attached by ClinVar (database versions not stated): gnomAD 0.00002; TOPMed 0.00002; ExAC 0.00004.
gnomAD v4.1: 60 of 1,613,298 alleles (0.0037%); highest among the groups gnomAD compares: Middle Eastern, 0.12%; no homozygotes.

Submission:

Labcorp Genetics (formerly Invitae), Labcorp
Classification: Uncertain significance. Last evaluated: 2024-12-02. Review status: criteria provided, single submitter. Criteria: Invitae Variant Classification Sherloc (09022015). Collection method: clinical testing. Allele origin: germline.
Comment: This sequence change replaces alanine, which is neutral and non-polar, with valine, which is neutral and non-polar, at codon 449 of the ADGRB2 protein (p.Ala449Val). This variant is present in population databases (rs756718959, gnomAD 0.01%). This variant has not been reported in the literature in individuals affected with ADGRB2-related conditions. ClinVar contains an entry for this variant (Variation ID: 2716649). Experimental studies and prediction algorithms are not available or were not evaluated, and the functional significance of this variant is currently unknown. In summary, the available evidence is currently insufficient to determine the role of this variant in disease. Therefore, it has been classified as a Variant of Uncertain Significance.

NM_001364857.2(ADGRB2):c.1346C>T (p.Ala449Val)

Gene: ADGRB2 (adhesion G protein-coupled receptor B2; minus strand). Cytogenetic location: 1p35.2.
Variant type: single nucleotide variant.
Coding change: c.1346C>T on transcript NM_001364857.2 (MANE Select); coding-DNA position 1346, C replaced by T.
Protein change: p.Ala449Val; replaces alanine 449 with valine.
Molecular consequence: missense variant.
Genome position (GRCh38, 1-based): chr1:31,742,124, G>A on the plus strand (C>T on the coding strand, the complement: ADGRB2 is on the minus strand). VCF-style: chr1-31742124-G-A. GRCh37 (hg19) VCF-style: chr1-32207725-G-A.
Other names: c.1346C>T, p.Ala449Val (NM_001294335.2, NM_001294336.2, NM_001703.2); short protein forms A449V.
Identifiers: ClinVar variation 2716649 (VCV002716649.3), dbSNP rs756718959, ClinGen allele CA735976.